The following is an entry in ClinVar:

NM_023110.3(FGFR1):c.957C>T (p.Thr319=)

Gene: FGFR1 (fibroblast growth factor receptor 1; minus strand). Cytogenetic location: 8p11.23.
Variant type: single nucleotide variant.
Coding change: c.957C>T on transcript NM_023110.3 (MANE Select); coding-DNA position 957, C replaced by T.
Protein change: p.Thr319=; no amino-acid change (threonine 319 retained).
Molecular consequence: synonymous variant.
Genome position (GRCh38, 1-based): chr8:38,421,921, G>A on the plus strand (C>T on the coding strand, the complement: FGFR1 is on the minus strand). VCF-style: chr8-38421921-G-A. GRCh37 (hg19) VCF-style: chr8-38279439-G-A.
Other names: p.Thr319=; c.957C>T, p.Thr319= (NM_000604.2, NM_001174063.2); c.933C>T, p.Thr311= (NM_001174064.2); c.951C>T, p.Thr317= (NM_001174065.2, NM_001354367.2, NM_001354369.2 and 2 more transcripts); c.690C>T, p.Thr230= (NM_001174066.2, NM_023105.3); c.1050C>T, p.Thr350= (NM_001174067.2); c.684C>T, p.Thr228= (NM_001354368.2, NM_001354370.2, NM_023106.3).
Identifiers: ClinVar variation 1992131 (VCV001992131.6), dbSNP rs767160151, ClinGen allele CA4718548.

ClinVar aggregate classification (germline): Likely benign. Review status: criteria provided, multiple submitters, no conflicts (2 of 4 stars). 3 submissions from 3 submitters: Likely benign (3). Last evaluated 2025-01-31.

Conditions:
Pfeiffer syndrome (ACS5). Also called: ACS V. Identifiers: Orphanet 710, MedGen C0220658, MONDO:0007043, OMIM 101600.
Hypogonadotropic hypogonadism 2 with or without anosmia (HH2). Also called: HYPOGONADOTROPIC HYPOGONADISM 2 WITHOUT ANOSMIA, SUSCEPTIBILITY TO; FGFR1-Related GnRH Deficiency (Kallmann Syndrome 2); HYPOGONADOTROPIC HYPOGONADISM 2 WITHOUT ANOSMIA; HYPOGONADOTROPIC HYPOGONADISM 2 WITH OR WITHOUT ANOSMIA, SUSCEPTIBILITY TO. Identifiers: Orphanet 478, MedGen C1563720, MONDO:0007844, OMIM 147950. Disease mechanism: loss of function.

Allele frequency attached by ClinVar (database versions not stated): gnomAD 0.00001; TOPMed 0.00001; ExAC 0.00003.
gnomAD v4.1: 15 of 1,614,008 alleles (0.00093%); highest among the groups gnomAD compares: Admixed American, 0.0017%; no homozygotes.

Submissions (3):

Mayo Clinic Laboratories, Mayo Clinic
Classification: Likely benign. Last evaluated: 2025-01-31. Review status: criteria provided, single submitter. Criteria: ACMG Guidelines, 2015. Collection method: clinical testing. Allele origin: germline. Observed: 1 variant allele.
Comment: BP4, BP7

Labcorp Genetics (formerly Invitae), Labcorp
Classification: Likely benign for Pfeiffer syndrome; Hypogonadotropic hypogonadism 2 with or without anosmia. Last evaluated: 2022-02-19. Review status: criteria provided, single submitter. Criteria: Invitae Variant Classification Sherloc (09022015). Collection method: clinical testing. Allele origin: germline.

Blueprint Genetics
Classification: Likely benign. Last evaluated: 2020-05-19. Review status: criteria provided, single submitter. Criteria: ACMG Guidelines, 2015. Collection method: clinical testing. Allele origin: germline.